The following is an entry in ClinVar:

NM_002691.4(POLD1):c.498G>A (p.Arg166=)

Gene: POLD1 (DNA polymerase delta 1, catalytic subunit; plus strand). Cytogenetic location: 19q13.33.
Variant type: single nucleotide variant.
Coding change: c.498G>A on transcript NM_002691.4 (MANE Select); coding-DNA position 498, G replaced by A.
Protein change: p.Arg166=; no amino-acid change (arginine 166 retained).
Molecular consequence: synonymous variant. On other transcripts: non-coding transcript variant (1).
Genome position (GRCh38, 1-based): chr19:50,402,033, G>A. VCF-style: chr19-50402033-G-A. GRCh37 (hg19) VCF-style: chr19-50905290-G-A.
Other names: c.498G>A, p.Arg166= (NM_001256849.1, NM_001308632.1); c.498G>A (NM_002691.2).
Identifiers: ClinVar variation 512992 (VCV000512992.9), dbSNP rs758097576, ClinGen allele CA9595765.

ClinVar aggregate classification (germline): Likely benign. Review status: criteria provided, multiple submitters, no conflicts (2 of 4 stars). 3 submissions from 3 submitters: Likely benign (3). Last evaluated 2024-03-03.

Conditions:
Hereditary cancer-predisposing syndrome. Also called: Tumor predisposition; Hereditary Cancer Syndrome; Hereditary neoplastic syndrome; Neoplastic Syndromes, Hereditary. Identifiers: Orphanet 140162, MedGen C0027672, MeSH D009386, MONDO:0015356.
POLD1-related polyposis and colorectal cancer syndrome (CRCS10). Also called: Colorectal cancer 10; COLORECTAL CANCER, SUSCEPTIBILITY TO, ON CHROMOSOME 19q; Colorectal cancer, susceptibility to, 10. Identifiers: Orphanet 220460, MedGen C2675481, MONDO:0012953, OMIM 612591.

Allele frequency attached by ClinVar (database versions not stated): gnomAD exomes below 0.00001 and 0.00001; ExAC 0.00002.
gnomAD v4.1: 3 of 1,614,150 alleles (0.00019%); highest among the groups gnomAD compares: Non-Finnish European, 0.00025%; no homozygotes.

Submissions (3):

Ambry Genetics
Classification: Likely benign for Hereditary cancer-predisposing syndrome. Last evaluated: 2024-03-03. Review status: criteria provided, single submitter. Criteria: Ambry Variant Classification Scheme 2023. Collection method: clinical testing. Allele origin: germline.

Labcorp Genetics (formerly Invitae), Labcorp
Classification: Likely benign for POLD1-related polyposis and colorectal cancer syndrome. Last evaluated: 2021-04-14. Review status: criteria provided, single submitter. Criteria: Invitae Variant Classification Sherloc (09022015). Collection method: clinical testing. Allele origin: germline.

GeneDx
Classification: Likely benign. Last evaluated: 2017-10-25. Review status: criteria provided, single submitter. Criteria: GeneDx Variant Classification (06012015). Collection method: clinical testing. Allele origin: germline. Affected: yes.
Comment: This variant is considered likely benign or benign based on one or more of the following criteria: it is a conservative change, it occurs at a poorly conserved position in the protein, it is predicted to be benign by multiple in silico algorithms, and/or has population frequency not consistent with disease.